The following is an entry in ClinVar:

ClinVar aggregate classification (germline): Uncertain significance. Review status: criteria provided, multiple submitters, no conflicts (2 of 4 stars). 4 submissions from 4 submitters: Uncertain significance (3). 1 of the submissions does not count toward it. Last evaluated 2022-01-26.

Conditions:
Autism (AUTS). Also called: Autistic disorder of childhood onset; Autistic disorder. Identifiers: MedGen C0004352, MeSH D001321, MONDO:0005260, OMIM 209850, HP:0000717.
Combined oxidative phosphorylation deficiency. Identifiers: MedGen C4540031, MONDO:0000732.
Charcot-Marie-Tooth Neuropathy X. Identifiers: MedGen CN118851.
Inborn genetic diseases. Identifiers: MedGen C0950123, MeSH D030342.

Allele frequency attached by ClinVar (database versions not stated): gnomAD exomes below 0.00001.
gnomAD v4.1: 4 of 1,211,710 alleles (0.00033%); highest among the groups gnomAD compares: Non-Finnish European, 0.00045%; no homozygotes.

Submissions (4):

Ambry Genetics
Classification: Uncertain significance for Inborn genetic diseases. Last evaluated: 2022-01-26. Review status: criteria provided, single submitter. Criteria: Ambry Variant Classification Scheme 2023. Collection method: clinical testing. Allele origin: germline.
Comment: The p.A80T variant (also known as c.238G>A), located in coding exon 2 of the AIFM1 gene, results from a G to A substitution at nucleotide position 238. The alanine at codon 80 is replaced by threonine, an amino acid with similar properties. This amino acid position is conserved. In addition, this alteration is predicted to be tolerated by in silico analysis. Since supporting evidence is limited at this time, the clinical significance of this alteration remains unclear.

Blueprint Genetics
Classification: Uncertain significance. Last evaluated: 2020-07-17. Review status: criteria provided, single submitter. Criteria: ACMG Guidelines, 2015. Collection method: clinical testing. Allele origin: germline.

Labcorp Genetics (formerly Invitae), Labcorp
Classification: Uncertain significance for Charcot-Marie-Tooth Neuropathy X; Combined oxidative phosphorylation deficiency. Last evaluated: 2018-10-23. Review status: criteria provided, single submitter. Criteria: Invitae Variant Classification Sherloc (09022015). Collection method: clinical testing. Allele origin: germline.
Comment: This variant is not present in population databases (ExAC no frequency). This variant has not been reported in the literature in individuals with AIFM1-related disease. Algorithms developed to predict the effect of missense changes on protein structure and function (SIFT, PolyPhen-2, Align-GVGD) all suggest that this variant is likely to be tolerated, but these predictions have not been confirmed by published functional studies and their clinical significance is uncertain. In summary, the available evidence is currently insufficient to determine the role of this variant in disease. Therefore, it has been classified as a Variant of Uncertain Significance. This sequence change replaces alanine with threonine at codon 80 of the AIFM1 protein (p.Ala80Thr). The alanine residue is moderately conserved and there is a small physicochemical difference between alanine and threonine.

Centre for Addiction & Mental Health
Classification: Uncertain significance for Autism. Review status: no assertion criteria provided. Collection method: research. Allele origin: maternal. Affected: yes. Observed: 1 hemizygote. Segregation with disease observed. Not counted in ClinVar's aggregate classification.
Comment: Nonsynonymous variant in known disease gene; no homozygotes in gnomAD control data, but no functional assay data available

NM_004208.4(AIFM1):c.238G>A (p.Ala80Thr)

Genes: AIFM1 (apoptosis inducing factor mitochondria associated 1; minus strand), RAB33A (RAB33A, member RAS oncogene family; plus strand). Cytogenetic location: Xq26.1.
Variant type: single nucleotide variant.
Coding change: c.238G>A on transcript NM_004208.4 (MANE Select); coding-DNA position 238, G replaced by A.
Protein change: p.Ala80Thr; replaces alanine 80 with threonine.
Molecular consequence: missense variant. On other transcripts: intron variant (1).
Genome position (GRCh38, 1-based): chrX:130,156,472, C>T on the plus strand (G>A on the coding strand, the complement: AIFM1 is on the minus strand). VCF-style: chrX-130156472-C-T. GRCh37 (hg19) VCF-style: chrX-129290446-C-T.
Other names: c.238G>A, p.Ala80Thr (NM_001130847.4); c.107-1186G>A (NM_145812.3); short protein forms A80T.
Identifiers: ClinVar variation 643584 (VCV000643584.13), dbSNP rs1603230120, ClinGen allele CA414593705.